The following is an entry in ClinVar:

NM_001394062.1(MACF1):c.16640G>A (p.Arg5547Gln)

Gene: MACF1 (microtubule actin crosslinking factor 1; plus strand). Cytogenetic location: 1p34.3.
Variant type: single nucleotide variant.
Coding change: c.16640G>A on transcript NM_001394062.1 (MANE Select); coding-DNA position 16640, G replaced by A.
Protein change: p.Arg5547Gln; replaces arginine 5547 with glutamine.
Molecular consequence: missense variant. On other transcripts: intron variant (1).
Genome position (GRCh38, 1-based): chr1:39,428,124, G>A. VCF-style: chr1-39428124-G-A. GRCh37 (hg19) VCF-style: chr1-39893796-G-A.
Other names: c.10454G>A, p.Arg3485Gln (NM_012090.5); c.4872+510G>A (NM_001397473.1); short protein forms R3485Q, R5547Q.
Identifiers: ClinVar variation 2918776 (VCV002918776.3), dbSNP rs1643782635, ClinGen allele CA339797462.

ClinVar aggregate classification (germline): Uncertain significance (1 of 4 stars; one submission).

Allele frequency attached by ClinVar (database versions not stated): gnomAD exomes below 0.00001; TOPMed below 0.00001.
gnomAD v4.1: 7 of 1,614,150 alleles (0.00043%); highest among the groups gnomAD compares: Non-Finnish European, 0.00059%; no homozygotes.

Submission:

Labcorp Genetics (formerly Invitae), Labcorp
Classification: Uncertain significance. Last evaluated: 2024-11-04. Review status: criteria provided, single submitter. Criteria: Invitae Variant Classification Sherloc (09022015). Collection method: clinical testing. Allele origin: germline.
Comment: This sequence change replaces arginine, which is basic and polar, with glutamine, which is neutral and polar, at codon 3485 of the MACF1 protein (p.Arg3485Gln). This variant is not present in population databases (gnomAD no frequency). This variant has not been reported in the literature in individuals affected with MACF1-related conditions. ClinVar contains an entry for this variant (Variation ID: 2918776). An algorithm developed to predict the effect of missense changes on protein structure and function (PolyPhen-2) suggests that this variant is likely to be disruptive. In summary, the available evidence is currently insufficient to determine the role of this variant in disease. Therefore, it has been classified as a Variant of Uncertain Significance.